The following is an entry in ClinVar:

NM_001370466.1(NOD2):c.2435C>G (p.Ala812Gly)

Gene: NOD2 (nucleotide binding oligomerization domain containing 2; plus strand). Cytogenetic location: 16q12.1.
Variant type: single nucleotide variant.
Coding change: c.2435C>G on transcript NM_001370466.1 (MANE Select); coding-DNA position 2435, C replaced by G.
Protein change: p.Ala812Gly; replaces alanine 812 with glycine.
Molecular consequence: missense variant. On other transcripts: non-coding transcript variant (1).
Genome position (GRCh38, 1-based): chr16:50,716,640, C>G. VCF-style: chr16-50716640-C-G. GRCh37 (hg19) VCF-style: chr16-50750551-C-G.
Other names: c.2435C>G, p.Ala812Gly (NM_001293557.2); c.2516C>G, p.Ala839Gly (NM_022162.3); short protein forms A812G, A839G.
Identifiers: ClinVar variation 3751690 (VCV003751690.2).

ClinVar aggregate classification (germline): Uncertain significance (1 of 4 stars; one submission).

Conditions:
Regional enteritis. Also called: Enteritis, Granulomatous. Identifiers: MedGen C0678202, MeSH D003424.
Blau syndrome (BLAUS). Also called: GRANULOMATOSIS, FAMILIAL JUVENILE SYSTEMIC; GRANULOMATOSIS, FAMILIAL, BLAU TYPE; GRANULOMATOUS INFLAMMATORY ARTHRITIS, DERMATITIS, AND UVEITIS, FAMILIAL; JABS SYNDROME; ARTHROCUTANEOUVEAL GRANULOMATOSIS. Identifiers: Orphanet 90340, MedGen C5201146, MONDO:0008523, OMIM 186580.

gnomAD v4.1: 2 of 1,614,206 alleles (0.00012%); highest among the groups gnomAD compares: Non-Finnish European, 0.00017%; no homozygotes.

Submission:

Labcorp Genetics (formerly Invitae), Labcorp
Classification: Uncertain significance for Regional enteritis; Blau syndrome. Last evaluated: 2024-10-03. Review status: criteria provided, single submitter. Criteria: Invitae Variant Classification Sherloc (09022015). Collection method: clinical testing. Allele origin: germline.
Comment: This sequence change replaces alanine, which is neutral and non-polar, with glycine, which is neutral and non-polar, at codon 839 of the NOD2 protein (p.Ala839Gly). This variant is not present in population databases (gnomAD no frequency). This variant has not been reported in the literature in individuals affected with NOD2-related conditions. Invitae Evidence Modeling of protein sequence and biophysical properties (such as structural, functional, and spatial information, amino acid conservation, physicochemical variation, residue mobility, and thermodynamic stability) indicates that this missense variant is not expected to disrupt NOD2 protein function with a negative predictive value of 95%. In summary, the available evidence is currently insufficient to determine the role of this variant in disease. Therefore, it has been classified as a Variant of Uncertain Significance.